The following is an entry in ClinVar:

NM_001039803.3(CDK20):c.-10C>T

Genes: CDK20 (cyclin dependent kinase 20; minus strand), CDK20-AS1 (CDK20 antisense RNA 1; plus strand). Cytogenetic location: 9q22.1.
Variant type: single nucleotide variant.
Coding change: c.-10C>T on transcript NM_001039803.3 (MANE Select); 10 bases upstream of the start codon, C replaced by T.
Molecular consequence: 5 prime UTR variant.
Genome position (GRCh38, 1-based): chr9:87,974,456, G>A on the plus strand (C>T on the coding strand, the complement: CDK20 is on the minus strand). VCF-style: chr9-87974456-G-A. GRCh37 (hg19) VCF-style: chr9-90589371-G-A.
Other names: c.-10C>T (NM_001170639.2, NM_001170640.2, NM_012119.5 and 1 more transcripts).
Identifiers: ClinVar variation 3353706 (VCV003353706.1).

ClinVar aggregate classification (germline): Likely benign (0 of 4 stars; one submission).

Conditions:
CDK20-related disorder. Also called: CDK20-related condition.

gnomAD v4.1: 28 of 1,609,538 alleles (0.0017%); highest among the groups gnomAD compares: Non-Finnish European, 0.0023%; no homozygotes.

Submission:

PreventionGenetics, part of Exact Sciences
Classification: Likely benign for CDK20-related condition. Last evaluated: 2024-09-26. Review status: no assertion criteria provided. Collection method: clinical testing. Allele origin: germline.
Comment: This variant is classified as likely benign based on ACMG/AMP sequence variant interpretation guidelines (Richards et al. 2015 PMID: 25741868, with internal and published modifications).